The following is an entry in ClinVar:

NM_001365951.3(KIF1B):c.2115+6743A>G

Gene: KIF1B (kinesin family member 1B; plus strand). Cytogenetic location: 1p36.22.
Variant type: single nucleotide variant.
Coding change: c.2115+6743A>G on transcript NM_001365951.3 (MANE Select); 6743 bases into the intron after coding-DNA position 2115, A replaced by G.
Molecular consequence: intron variant. On other transcripts: missense variant (2).
Genome position (GRCh38, 1-based): chr1:10,303,989, A>G. VCF-style: chr1-10303989-A-G. GRCh37 (hg19) VCF-style: chr1-10364047-A-G.
Other names: c.2804A>G, p.Gln935Arg (NM_001365953.1, NM_183416.4); c.1977+6743A>G (NM_015074.3); c.2115+6743A>G (NM_001365952.1); short protein forms Q935R.
Identifiers: ClinVar variation 4885247 (VCV004885247.2).

ClinVar aggregate classification (germline): Uncertain significance (1 of 4 stars; one submission).

gnomAD v4.1: 10 of 1,612,256 alleles (0.00062%); highest among the groups gnomAD compares: Non-Finnish European, 0.00076%; no homozygotes.

Submission:

Dasa
Classification: Uncertain significance. Last evaluated: 2026-01-05. Review status: criteria provided, single submitter. Criteria: DASA Assertion Criteria. Collection method: clinical testing. Allele origin: germline.
Comment: NM_001365953.1(KIF1B):c.2804A>G (p.Gln935Arg) is a missense variant that results in the substitution of glutamine with arginine. This variant is rare in population databases. The currently available literature and clinical evidence are not sufficient to establish a definitive association between this variant and the reported condition. Therefore, this variant is classified as a variant of uncertain significance.